The following is an entry in ClinVar:

NM_001022.4(RPS19):c.173-9T>C

Genes: RPS19 (ribosomal protein S19; plus strand), RPS19-CD79A (RPS19-CD79A readthrough; plus strand). Cytogenetic location: 19q13.2.
Variant type: single nucleotide variant.
Coding change: c.173-9T>C on transcript NM_001022.4 (MANE Select); 9 bases into the intron before coding-DNA position 173, T replaced by C.
Molecular consequence: intron variant.
Genome position (GRCh38, 1-based): chr19:41,869,022, T>C. VCF-style: chr19-41869022-T-C. GRCh37 (hg19) VCF-style: chr19-42373092-T-C.
Other names: c.173-9T>C (NM_001321484.2, NM_001321483.2); c.186-9T>C (NM_001321485.2).
Identifiers: ClinVar variation 856889 (VCV000856889.11), dbSNP rs782552614, ClinGen allele CA9465340.
Genomic context (GRCh38, chr19:41,869,022, plus strand): 5'-ACACACAAGGAATTGTTTACCTGAGACCTTGATCAAGACCCTTAAATCTCCCTCTCACAC[T>C]ACCCCCAGCTTCCACAGCGCGGCACCTGTACCTCCGGGGTGGCGCTGGGGTTGGCTCCAT-3'

ClinVar aggregate classification (germline): Conflicting classifications of pathogenicity. Review status: criteria provided, conflicting classifications (1 of 4 stars). 2 submissions from 2 submitters: Uncertain significance (1); Likely benign (1). Last evaluated 2024-03-11.

Conditions:
RPS19-related disorder. Also called: RPS19-related condition.
Diamond-Blackfan anemia. Also called: Blackfan Diamond syndrome; Aregenerative anemia chronic congenital; Red cell aplasia, pure hereditary; Congenital hypoplastic anemia; Aase syndrome. Identifiers: Orphanet 124, MedGen C1260899, MeSH D029503, MONDO:0015253, HP:0004810.

Allele frequency attached by ClinVar (database versions not stated): gnomAD exomes 0.00001; TOPMed 0.00002; ExAC 0.00003.
gnomAD v4.1: 4 of 1,613,446 alleles (0.00025%); highest among the groups gnomAD compares: East Asian, 0.0045%; no homozygotes.

Submissions (2):

Labcorp Genetics (formerly Invitae), Labcorp
Classification: Likely benign for Diamond-Blackfan anemia. Last evaluated: 2024-03-11. Review status: criteria provided, single submitter. Criteria: Invitae Variant Classification Sherloc (09022015). Collection method: clinical testing. Allele origin: germline.

PreventionGenetics, part of Exact Sciences
Classification: Uncertain significance for RPS19-related condition. Last evaluated: 2023-01-31. Review status: criteria provided, single submitter. Criteria: ACMG Guidelines, 2015. Collection method: clinical testing. Allele origin: germline.
Comment: The RPS19 c.173-9T>C variant is predicted to interfere with splicing. This variant is predicted to alter splicing based on available splicing prediction programs (Alamut Visual v2.11). However, such computer prediction programs are imperfect. To our knowledge, this variant has not been reported in the literature. This variant is reported in 0.016% of alleles in individuals of East Asian descent in gnomAD. At this time, the clinical significance of this variant is uncertain due to the absence of conclusive functional and genetic evidence.